The following is an entry in ClinVar:

NM_002439.5(MSH3):c.900del (p.Gly301fs)

Gene: MSH3 (mutS homolog 3; plus strand). Cytogenetic location: 5q14.1.
Variant type: Deletion.
Coding change: c.900del on transcript NM_002439.5 (MANE Select); coding-DNA position 900, one base deleted (A; older notation c.900delA).
Protein change: p.Gly301fs; shifts the reading frame from glycine 301.
Molecular consequence: frameshift variant.
Genome position (GRCh38, 1-based): chr5:80,672,351, A deleted; the last of 4 consecutive A bases (chr5:80,672,348-80,672,351); deleting any one gives the same sequence. VCF-style (leftmost placement, unchanged base first): chr5-80672347-CA-C. GRCh37 (hg19) VCF-style: chr5-79968166-CA-C.
Other names: short protein forms G301fs.
Identifiers: ClinVar variation 2778198 (VCV002778198.3), dbSNP rs2112813876, ClinGen allele CA2709325535.

ClinVar aggregate classification (germline): Pathogenic (1 of 4 stars; one submission).

Submission:

Labcorp Genetics (formerly Invitae), Labcorp
Classification: Pathogenic. Last evaluated: 2023-04-19. Review status: criteria provided, single submitter. Criteria: Invitae Variant Classification Sherloc (09022015). Collection method: clinical testing. Allele origin: germline.
Comment: For these reasons, this variant has been classified as Pathogenic. This variant has not been reported in the literature in individuals affected with MSH3-related conditions. This variant is not present in population databases (gnomAD no frequency). This sequence change creates a premature translational stop signal (p.Gly301Aspfs*7) in the MSH3 gene. It is expected to result in an absent or disrupted protein product. Loss-of-function variants in MSH3 are known to be pathogenic (PMID: 27476653).

Literature cited by the submitters: PubMed 27476653.